The following is an entry in ClinVar:

NM_031407.7(HUWE1):c.5462C>T (p.Thr1821Ile)

Gene: HUWE1 (HECT, UBA and WWE domain containing E3 ubiquitin protein ligase 1; minus strand). Cytogenetic location: Xp11.22.
Variant type: single nucleotide variant.
Coding change: c.5462C>T on transcript NM_031407.7 (MANE Select); coding-DNA position 5462, C replaced by T.
Protein change: p.Thr1821Ile; replaces threonine 1821 with isoleucine.
Molecular consequence: missense variant.
Genome position (GRCh38, 1-based): chrX:53,583,616, G>A on the plus strand (C>T on the coding strand, the complement: HUWE1 is on the minus strand). VCF-style: chrX-53583616-G-A. GRCh37 (hg19) VCF-style: chrX-53610576-G-A.
Other names: short protein forms T1821I.
Identifiers: ClinVar variation 3774085 (VCV003774085.1).
Genomic context (GRCh38, chrX:53,583,616, plus strand): 5'-ACCTTTTCCATGGTATGACGAAGGGTACAGGGGTCCTCAATGATGTGTCTTAAGAGAAGG[G>A]TGACCAGGGGAGTAAACCCATTGAAGCCTGAGCTCTGGGTCAAATTCAAGATCATGCGGG-3'
Protein context (NP_113584.3, residues 1811-1831): SGFNGFTPLV[Thr1821Ile]LLLRHIIEDP

ClinVar aggregate classification (germline): Uncertain significance (1 of 4 stars; one submission).

Submission:

GeneDx
Classification: Uncertain significance. Last evaluated: 2024-09-18. Review status: criteria provided, single submitter. Criteria: GeneDx Variant Classification Process June 2021. Collection method: clinical testing. Allele origin: germline. Affected: yes.
Comment: Not observed at significant frequency in large population cohorts (gnomAD); In silico analysis supports that this missense variant has a deleterious effect on protein structure/function; Has not been previously published as pathogenic or benign to our knowledge